The following is an entry in ClinVar:

ClinVar aggregate classification (germline): Uncertain significance (1 of 4 stars; one submission).

Submission:

Labcorp Genetics (formerly Invitae), Labcorp
Classification: Uncertain significance. Last evaluated: 2026-01-11. Review status: criteria provided, single submitter. Criteria: Invitae Variant Classification Sherloc (09022015). Collection method: clinical testing. Allele origin: germline.
Comment: This sequence change replaces leucine, which is neutral and non-polar, with proline, which is neutral and non-polar, at codon 405 of the MAP3K8 protein (p.Leu405Pro). This variant is present in population databases (no rsID available, gnomAD 0.006%). This variant has not been reported in the literature in individuals affected with MAP3K8-related conditions. An algorithm developed to predict the effect of missense changes on protein structure and function (PolyPhen-2) suggests that this variant is likely to be disruptive. In summary, the available evidence is currently insufficient to determine the role of this variant in disease. Therefore, it has been classified as a Variant of Uncertain Significance.

NM_005204.4(MAP3K8):c.1214T>C (p.Leu405Pro)

Gene: MAP3K8 (mitogen-activated protein kinase kinase kinase 8; plus strand). Cytogenetic location: 10p11.23.
Variant type: single nucleotide variant.
Coding change: c.1214T>C on transcript NM_005204.4 (MANE Select); coding-DNA position 1214, T replaced by C.
Protein change: p.Leu405Pro; replaces leucine 405 with proline.
Molecular consequence: missense variant.
Genome position (GRCh38, 1-based): chr10:30,459,442, T>C. VCF-style: chr10-30459442-T-C. GRCh37 (hg19) VCF-style: chr10-30748371-T-C.
Other names: c.1214T>C, p.Leu405Pro (NM_001244134.1, NM_001320961.2); short protein forms L405P.
Identifiers: ClinVar variation 4734781 (VCV004734781.1).